The following is an entry in ClinVar:

ClinVar aggregate classification (germline): Uncertain significance (1 of 4 stars; one submission).

Conditions:
CHEK2-related disorder.

Allele frequency attached by ClinVar (database versions not stated): gnomAD exomes 0.00001.
gnomAD v4.1: 9 of 1,587,694 alleles (0.00057%); highest among the groups gnomAD compares: Non-Finnish European, 0.00078%; no homozygotes.

Submission:

PreventionGenetics, part of Exact Sciences
Classification: Uncertain significance for CHEK2-related condition. Last evaluated: 2023-08-11. Review status: criteria provided, single submitter. Criteria: ACMG Guidelines, 2015. Collection method: clinical testing. Allele origin: germline.
Comment: The CHEK2 c.445G>T variant is predicted to result in premature protein termination (p.Glu149*). This variant is referred to as c.592+54G>T (intronic) with the primary transcript NM_007194. To our knowledge, this variant has not been reported in the literature or in a large population database, indicating this variant is rare. At this time, the clinical significance of this variant is uncertain due to the absence of conclusive functional and genetic evidence.

NM_007194.4(CHEK2):c.592+54G>T

Gene: CHEK2 (checkpoint kinase 2; minus strand). Cytogenetic location: 22q12.1.
Variant type: single nucleotide variant.
Coding change: c.592+54G>T on transcript NM_007194.4 (MANE Select); 54 bases into the intron after coding-DNA position 592, G replaced by T.
Molecular consequence: intron variant. On other transcripts: nonsense (1).
Genome position (GRCh38, 1-based): chr22:28,724,923, C>A on the plus strand (G>T on the coding strand, the complement: CHEK2 is on the minus strand). VCF-style: chr22-28724923-C-A. GRCh37 (hg19) VCF-style: chr22-29120911-C-A.
Other names: c.445G>T, p.Glu149Ter (NM_001349956.3); c.-72+54G>T (NM_001437942.1); c.592+54G>T (NM_145862.3); c.-186+54G>T (NM_001257387.3); c.685+54G>T (NM_001438295.1, NM_001438293.1); c.721+54G>T (NM_001438294.1, NM_001005735.3); short protein forms E149*.
Identifiers: ClinVar variation 2631281 (VCV002631281.1), dbSNP rs1320411258, ClinGen allele CA411106809.